The following is an entry in ClinVar:

ClinVar aggregate classification (germline): Uncertain significance (1 of 4 stars; one submission).

Conditions:
Left ventricular noncompaction 1 (LVNC1). Also called: LEFT VENTRICULAR NONCOMPACTION 1 WITH OR WITHOUT CONGENITAL HEART DEFECTS. Identifiers: Orphanet 54260, MedGen C1858725, MONDO:0011403, OMIM 604169.

Allele frequency attached by ClinVar (database versions not stated): gnomAD 0.00001; gnomAD exomes 0.00001; TOPMed 0.00001.
gnomAD v4.1: 17 of 1,614,044 alleles (0.0011%); highest among the groups gnomAD compares: Non-Finnish European, 0.0014%; no homozygotes.

Submission:

Labcorp Genetics (formerly Invitae), Labcorp
Classification: Uncertain significance for Left ventricular noncompaction 1. Last evaluated: 2022-06-23. Review status: criteria provided, single submitter. Criteria: Invitae Variant Classification Sherloc (09022015). Collection method: clinical testing. Allele origin: germline.
Comment: In summary, the available evidence is currently insufficient to determine the role of this variant in disease. Therefore, it has been classified as a Variant of Uncertain Significance. This sequence change replaces phenylalanine, which is neutral and non-polar, with isoleucine, which is neutral and non-polar, at codon 605 of the DTNA protein (p.Phe605Ile). This variant is not present in population databases (gnomAD no frequency). This variant has not been reported in the literature in individuals affected with DTNA-related conditions. Algorithms developed to predict the effect of missense changes on protein structure and function (SIFT, PolyPhen-2, Align-GVGD) all suggest that this variant is likely to be tolerated.

NM_001386795.1(DTNA):c.1894T>A (p.Phe632Ile)

Gene: DTNA (dystrobrevin alpha; plus strand). Cytogenetic location: 18q12.1.
Variant type: single nucleotide variant.
Coding change: c.1894T>A on transcript NM_001386795.1 (MANE Select); coding-DNA position 1894, T replaced by A.
Protein change: p.Phe632Ile; replaces phenylalanine 632 with isoleucine.
Molecular consequence: missense variant.
Genome position (GRCh38, 1-based): chr18:34,875,389, T>A. VCF-style: chr18-34875389-T-A. GRCh37 (hg19) VCF-style: chr18-32455353-T-A.
Other names: c.1633T>A, p.Phe545Ile (NM_001198938.2, NM_001198940.2, NM_001386753.1 and 5 more transcripts); c.1654T>A, p.Phe552Ile (NM_001198939.2); c.940T>A, p.Phe314Ile (NM_001198942.1); c.883T>A, p.Phe295Ile (NM_001198943.1); c.769T>A, p.Phe257Ile (NM_001198944.1); c.1723T>A, p.Phe575Ile (NM_001386754.1, NM_001386755.1, NM_001386756.1 and 3 more transcripts); c.1720T>A, p.Phe574Ile (NM_001386760.1); c.1642T>A, p.Phe548Ile (NM_001386761.1, NM_032975.4); and 5 more; short protein forms F544I, F547I, F295I, F314I, F548I, F605I, F253I, F257I.
Identifiers: ClinVar variation 1975765 (VCV001975765.5), dbSNP rs1378252645, ClinGen allele CA402178198.